The following is an entry in ClinVar:

ClinVar aggregate classification (germline): Uncertain significance (1 of 4 stars; one submission).

Allele frequency attached by ClinVar (database versions not stated): gnomAD exomes below 0.00001.
gnomAD v4.1: 2 of 1,614,196 alleles (0.00012%); highest among the groups gnomAD compares: South Asian, 0.0022%; no homozygotes.

Submission:

Ambry Genetics
Classification: Uncertain significance. Last evaluated: 2022-09-24. Review status: criteria provided, single submitter. Criteria: Ambry Variant Classification Scheme 2023. Collection method: clinical testing. Allele origin: germline.
Comment: The p.Y43C variant (also known as c.128A>G), located in coding exon 1 of the MNDA gene, results from an A to G substitution at nucleotide position 128. The tyrosine at codon 43 is replaced by cysteine, an amino acid with highly dissimilar properties. This amino acid position is conserved. In addition, this alteration is predicted to be tolerated by in silico analysis. Since supporting evidence is limited at this time, the clinical significance of this alteration remains unclear.

NM_002432.3(MNDA):c.128A>G (p.Tyr43Cys)

Gene: MNDA (myeloid cell nuclear differentiation antigen; plus strand). Cytogenetic location: 1q23.1.
Variant type: single nucleotide variant.
Coding change: c.128A>G on transcript NM_002432.3 (MANE Select); coding-DNA position 128, A replaced by G.
Protein change: p.Tyr43Cys; replaces tyrosine 43 with cysteine.
Molecular consequence: missense variant.
Genome position (GRCh38, 1-based): chr1:158,842,281, A>G. VCF-style: chr1-158842281-A-G. GRCh37 (hg19) VCF-style: chr1-158812071-A-G.
Other names: short protein forms Y43C.
Identifiers: ClinVar variation 1769051 (VCV001769051.2), dbSNP rs1456827898, ClinGen allele CA343036809.